The following is an entry in ClinVar:

ClinVar aggregate classification (germline): Uncertain significance (1 of 4 stars; one submission).

Conditions:
Autosomal dominant nocturnal frontal lobe epilepsy 5. Also called: Epilepsy, nocturnal frontal lobe, 5; KCNT1-Related Epilepsy; CILIARY DYSKINESIA, PRIMARY, 28, WITHOUT SITUS INVERSUS; CILIARY DYSKINESIA, PRIMARY, 28, WITH SITUS INVERSUS. Identifiers: Orphanet 98784, MedGen C3554306, MONDO:0014002, OMIM 615005.
Developmental and epileptic encephalopathy, 14 (DEE14). Also called: Early infantile epileptic encephalopathy 14. Identifiers: Orphanet 293181, MedGen C3554195, MONDO:0013989, OMIM 614959.

Submission:

Labcorp Genetics (formerly Invitae), Labcorp
Classification: Uncertain significance for Autosomal dominant nocturnal frontal lobe epilepsy 5; Developmental and epileptic encephalopathy, 14. Last evaluated: 2024-09-03. Review status: criteria provided, single submitter. Criteria: Invitae Variant Classification Sherloc (09022015). Collection method: clinical testing. Allele origin: germline.
Comment: This sequence change replaces serine, which is neutral and polar, with isoleucine, which is neutral and non-polar, at codon 1209 of the KCNT1 protein (p.Ser1209Ile). This variant is present in population databases (no rsID available, gnomAD 0.01%). This variant has not been reported in the literature in individuals affected with KCNT1-related conditions. Invitae Evidence Modeling of protein sequence and biophysical properties (such as structural, functional, and spatial information, amino acid conservation, physicochemical variation, residue mobility, and thermodynamic stability) indicates that this missense variant is not expected to disrupt KCNT1 protein function with a negative predictive value of 80%. In summary, the available evidence is currently insufficient to determine the role of this variant in disease. Therefore, it has been classified as a Variant of Uncertain Significance.

NM_020822.3(KCNT1):c.3626G>T (p.Ser1209Ile)

Gene: KCNT1 (potassium sodium-activated channel subfamily T member 1; plus strand). Cytogenetic location: 9q34.3.
Variant type: single nucleotide variant.
Coding change: c.3626G>T on transcript NM_020822.3 (MANE Select); coding-DNA position 3626, G replaced by T.
Protein change: p.Ser1209Ile; replaces serine 1209 with isoleucine.
Molecular consequence: missense variant.
Genome position (GRCh38, 1-based): chr9:135,792,079, G>T. VCF-style: chr9-135792079-G-T. GRCh37 (hg19) VCF-style: chr9-138683925-G-T.
Other names: c.3554G>T, p.Ser1185Ile (NM_001272003.2); short protein forms S1185I, S1209I.
Identifiers: ClinVar variation 3763291 (VCV003763291.2).